The following is an entry in ClinVar:

NM_000059.4(BRCA2):c.5774dup (p.Ser1926fs)

Gene: BRCA2 (BRCA2 DNA repair associated; plus strand). Cytogenetic location: 13q13.1.
Variant type: Duplication.
Coding change: c.5774dup on transcript NM_000059.4 (MANE Select); coding-DNA position 5774, one base duplicated (A; older notation c.5774dupA).
Protein change: p.Ser1926fs; shifts the reading frame from serine 1926.
Molecular consequence: frameshift variant.
Genome position (GRCh38, 1-based): chr13:32,340,129, A duplicated. VCF-style (leftmost placement, unchanged base first): chr13-32340128-C-CA. GRCh37 (hg19) VCF-style: chr13-32914265-C-CA.
Other names: c.5774dup, p.Ser1926Glufs (NM_001406719.1, NM_001406720.1); short protein forms S1926fs.
Identifiers: ClinVar variation 2041209 (VCV002041209.4), dbSNP rs2548531717, ClinGen allele CA2580087779.

ClinVar aggregate classification (germline): Pathogenic (1 of 4 stars; one submission).

Conditions:
Hereditary breast ovarian cancer syndrome. Also called: Hereditary breast and ovarian cancer syndrome (HBOC); Breast and ovarian cancer; Hereditary breast and ovarian cancer syndrome; Hereditary breast and/or ovarian cancer syndrome; BRCA1- and BRCA2-Associated Hereditary Breast and Ovarian Cancer; Hereditary breast and ovarian cancer. Identifiers: Orphanet 145, MedGen C0677776, MeSH D061325, MONDO:0003582. Disease mechanism: loss of function.

Submission:

Labcorp Genetics (formerly Invitae), Labcorp
Classification: Pathogenic for Hereditary breast ovarian cancer syndrome. Last evaluated: 2025-12-14. Review status: criteria provided, single submitter. Criteria: Invitae Variant Classification Sherloc (09022015). Collection method: clinical testing. Allele origin: germline.
Comment: This sequence change creates a premature translational stop signal (p.Ser1926Glufs*2) in the BRCA2 gene. It is expected to result in an absent or disrupted protein product. Loss-of-function variants in BRCA2 are known to be pathogenic (PMID: 20104584). This variant is not present in population databases (gnomAD no frequency). This variant has not been reported in the literature in individuals affected with BRCA2-related conditions. ClinVar contains an entry for this variant (Variation ID: 2041209). For these reasons, this variant has been classified as Pathogenic.

Literature cited by the submitters: PubMed 20104584.